The following is an entry in ClinVar:

ClinVar aggregate classification (germline): Pathogenic (1 of 4 stars; one submission).

Conditions:
Congenital myasthenic syndrome (CMS). Also called: Congenital Myasthenic Syndromes. Identifiers: Orphanet 590, MedGen C0751882, MeSH D020294, MONDO:0018940.

Submission:

Myriad Genetics, Inc.
Classification: Pathogenic for Congenital myasthenic syndrome. Last evaluated: 2024-06-14. Review status: criteria provided, single submitter. Criteria: Myriad Autosomal Dominant, Autosomal Recessive and X-Linked Classification Criteria (2023). Collection method: clinical testing. Allele origin: unknown.
Comment: NM_000080.3(CHRNE):c.478C>T(Q160*) is expected to be pathogenic in the context of congenital myasthenic syndrome, CHRNE-related. This variant is predicted to lead to an abnormal or absent protein product due to the creation of a premature termination codon in CHRNE, a gene where loss-of-function variants are known to be pathogenic. Please note: this variant was assessed in the context of healthy population screening.

NM_000080.4(CHRNE):c.478C>T (p.Gln160Ter)

Genes: C17orf107 (chromosome 17 open reading frame 107; plus strand), CHRNE (cholinergic receptor nicotinic epsilon subunit; minus strand). Cytogenetic location: 17p13.2.
Variant type: single nucleotide variant.
Coding change: c.478C>T on transcript NM_000080.4 (MANE Select); coding-DNA position 478, C replaced by T.
Protein change: p.Gln160Ter; replaces glutamine 160 with a stop codon.
Molecular consequence: nonsense. On other transcripts: 3 prime UTR variant (1).
Genome position (GRCh38, 1-based): chr17:4,901,954, G>A on the plus strand (C>T on the coding strand, the complement: CHRNE is on the minus strand). VCF-style: chr17-4901954-G-A. GRCh37 (hg19) VCF-style: chr17-4805249-G-A.
Other names: c.*1421G>A (NM_001145536.2); short protein forms Q160*.
Identifiers: ClinVar variation 5013176 (VCV005013176.1).